The following is an entry in ClinVar:

NM_004656.4(BAP1):c.1863C>T (p.Pro621=)

Gene: BAP1 (BRCA1 associated deubiquitinase 1; minus strand). Cytogenetic location: 3p21.1.
Variant type: single nucleotide variant.
Coding change: c.1863C>T on transcript NM_004656.4 (MANE Select); coding-DNA position 1863, C replaced by T.
Protein change: p.Pro621=; no amino-acid change (proline 621 retained).
Molecular consequence: synonymous variant.
Genome position (GRCh38, 1-based): chr3:52,403,165, G>A on the plus strand (C>T on the coding strand, the complement: BAP1 is on the minus strand). VCF-style: chr3-52403165-G-A. GRCh37 (hg19) VCF-style: chr3-52437181-G-A.
Other names: c.1809C>T, p.Pro603= (NM_001410772.1).
Identifiers: ClinVar variation 3379178 (VCV003379178.1).

ClinVar aggregate classification (germline): Benign (1 of 4 stars; one submission).

Conditions:
BAP1-related tumor predisposition syndrome (TPDS1). Also called: BAP1 tumor predisposition syndrome; Tumor susceptibility linked to germline BAP1 mutations; COMMON Syndrome; TUMOR PREDISPOSITION SYNDROME 1. Identifiers: Orphanet 289539, MedGen C3280492, MONDO:0013692, OMIM 614327.

Submission:

Myriad Genetics, Inc.
Classification: Benign for BAP1-related tumor predisposition syndrome. Last evaluated: 2024-07-17. Review status: criteria provided, single submitter. Criteria: Myriad Autosomal Dominant, Autosomal Recessive and X-Linked Classification Criteria (2023). Collection method: clinical testing. Allele origin: unknown.
Comment: This variant is considered benign. This variant is a silent/synonymous amino acid change and it is not expected to impact splicing.